The following is an entry in ClinVar:

NM_178452.6(DNAAF1):c.1567G>A (p.Val523Ile)

Gene: DNAAF1 (dynein axonemal assembly factor 1; plus strand). Cytogenetic location: 16q24.1.
Variant type: single nucleotide variant.
Coding change: c.1567G>A on transcript NM_178452.6 (MANE Select); coding-DNA position 1567, G replaced by A.
Protein change: p.Val523Ile; replaces valine 523 with isoleucine.
Molecular consequence: missense variant.
Genome position (GRCh38, 1-based): chr16:84,172,298, G>A. VCF-style: chr16-84172298-G-A. GRCh37 (hg19) VCF-style: chr16-84205904-G-A.
Other names: p.Val523Ile; c.859G>A, p.Val287Ile (NM_001318756.1); short protein forms V523I, V287I.
Identifiers: ClinVar variation 286678 (VCV000286678.24), dbSNP rs148387367, ClinGen allele CA8202922.

ClinVar aggregate classification (germline): Conflicting classifications of pathogenicity. Review status: criteria provided, conflicting classifications (1 of 4 stars). 6 submissions from 6 submitters: Uncertain significance (2); Benign (1); Likely benign (3). Last evaluated 2026-01-15.

Conditions:
Primary ciliary dyskinesia 13. Also called: CILIARY DYSKINESIA, PRIMARY, 13, WITH OR WITHOUT SITUS INVERSUS. Identifiers: Orphanet 244, MedGen C2750790, MONDO:0013174, OMIM 613193.
Primary ciliary dyskinesia. Also called: Ciliary dyskinesia. Identifiers: Orphanet 244, MedGen C0008780, MONDO:0016575, HP:0012265.

Allele frequency attached by ClinVar (database versions not stated): gnomAD exomes 0.00047; ExAC 0.00055; 1000 Genomes Project 30x 0.00109; 1000 Genomes Project 0.00120; TOPMed 0.00151; gnomAD 0.00156 and 0.00167; ESP Exome Variant Server 0.00169.
gnomAD v4.1: 528 of 1,614,174 alleles (0.033%); highest among the groups gnomAD compares: African/African-American, 0.54%; no homozygotes.

Submissions (6):

Labcorp Genetics (formerly Invitae), Labcorp
Classification: Likely benign for Primary ciliary dyskinesia. Last evaluated: 2026-01-15. Review status: criteria provided, single submitter. Criteria: Invitae Variant Classification Sherloc (09022015). Collection method: clinical testing. Allele origin: germline.

Mayo Clinic Laboratories, Mayo Clinic
Classification: Likely benign. Last evaluated: 2025-10-18. Review status: criteria provided, single submitter. Criteria: ACMG Guidelines, 2015. Collection method: clinical testing. Allele origin: germline. Observed: 1 variant allele.
Comment: BS1, BP4_moderate

GeneDx
Classification: Uncertain significance. Last evaluated: 2022-04-27. Review status: criteria provided, single submitter. Criteria: GeneDx Variant Classification Process June 2021. Collection method: clinical testing. Allele origin: germline. Affected: yes.
Comment: In silico analysis supports that this missense variant does not alter protein structure/function; Has not been previously published as pathogenic or benign to our knowledge

Ambry Genetics
Classification: Benign for Primary ciliary dyskinesia. Last evaluated: 2018-06-19. Review status: criteria provided, single submitter. Criteria: Ambry Variant Classification Scheme 2023. Collection method: clinical testing. Allele origin: germline.

Illumina Laboratory Services, Illumina
Classification: Uncertain significance for Primary ciliary dyskinesia 13. Last evaluated: 2018-01-12. Review status: criteria provided, single submitter. Criteria: ICSL Variant Classification Criteria 13 December 2019. Collection method: clinical testing. Allele origin: germline.

Eurofins Ntd Llc (ga)
Classification: Likely benign. Last evaluated: 2016-04-06. Review status: criteria provided, single submitter. Criteria: EGL Classification Definitions 2015. Collection method: clinical testing. Allele origin: germline. Observed: 1 variant allele, 1 heterozygote.